The following is an entry in ClinVar:

NM_032578.4(MYPN):c.3805C>T (p.His1269Tyr)

Gene: MYPN (myopalladin; plus strand). Cytogenetic location: 10q21.3.
Variant type: single nucleotide variant.
Coding change: c.3805C>T on transcript NM_032578.4 (MANE Select); coding-DNA position 3805, C replaced by T.
Protein change: p.His1269Tyr; replaces histidine 1269 with tyrosine.
Molecular consequence: missense variant. On other transcripts: non-coding transcript variant (2).
Genome position (GRCh38, 1-based): chr10:68,210,297, C>T. VCF-style: chr10-68210297-C-T. GRCh37 (hg19) VCF-style: chr10-69970054-C-T.
Other names: c.3805C>T, p.His1269Tyr (NM_001256267.2); c.2923C>T, p.His975Tyr (NM_001256268.2); short protein forms H1269Y, H975Y.
Identifiers: ClinVar variation 477761 (VCV000477761.32), dbSNP rs746600159, ClinGen allele CA376829838.

ClinVar aggregate classification (germline): Uncertain significance. Review status: criteria provided, multiple submitters, no conflicts (2 of 4 stars). 2 submissions from 2 submitters: Uncertain significance (2). Last evaluated 2022-10-01.

Conditions:
Dilated cardiomyopathy 1KK (CMD1KK). Identifiers: Orphanet 154, Orphanet 75249, MedGen C3714995, MONDO:0014100, OMIM 615248.

Allele frequency attached by ClinVar (database versions not stated): gnomAD 0.00001; TOPMed 0.00001.
gnomAD v4.1: 2 of 1,613,422 alleles (0.00012%); highest among the groups gnomAD compares: Non-Finnish European, 0.00017%; no homozygotes.

Submissions (2):

CeGaT Center for Human Genetics Tuebingen
Classification: Uncertain significance. Last evaluated: 2022-10-01. Review status: criteria provided, single submitter. Criteria: CeGaT Center For Human Genetics Tuebingen Variant Classification Criteria Version 2. Collection method: clinical testing. Allele origin: germline. Affected: yes. Observed: 1 variant allele.
Comment: MYPN: PM2, BP4

Labcorp Genetics (formerly Invitae), Labcorp
Classification: Uncertain significance for Dilated cardiomyopathy 1KK. Last evaluated: 2022-03-24. Review status: criteria provided, single submitter. Criteria: Invitae Variant Classification Sherloc (09022015). Collection method: clinical testing. Allele origin: germline.
Comment: This sequence change replaces histidine, which is basic and polar, with tyrosine, which is neutral and polar, at codon 1269 of the MYPN protein (p.His1269Tyr). In summary, the available evidence is currently insufficient to determine the role of this variant in disease. Therefore, it has been classified as a Variant of Uncertain Significance. Algorithms developed to predict the effect of missense changes on protein structure and function (SIFT, PolyPhen-2, Align-GVGD) all suggest that this variant is likely to be tolerated. ClinVar contains an entry for this variant (Variation ID: 477761). This variant has not been reported in the literature in individuals affected with MYPN-related conditions. This variant is not present in population databases (gnomAD no frequency).